The following is an entry in ClinVar:

ClinVar aggregate classification (germline): Benign (1 of 4 stars; one submission).

Allele frequency attached by ClinVar (database versions not stated): gnomAD 0.04187; TOPMed 0.04331; 1000 Genomes Project 0.05152; 1000 Genomes Project 30x 0.05325.
gnomAD v4.1: 55,879 of 1,464,546 alleles (3.8%); highest among the groups gnomAD compares: East Asian, 8.2%; 1,414 homozygotes.

Submission:

GeneDx
Classification: Benign. Last evaluated: 2018-06-16. Review status: criteria provided, single submitter. Criteria: GeneDx Variant Classification (06012015). Collection method: clinical testing. Allele origin: germline. Affected: yes.
Comment: This variant is considered likely benign or benign based on one or more of the following criteria: it is a conservative change, it occurs at a poorly conserved position in the protein, it is predicted to be benign by multiple in silico algorithms, and/or has population frequency not consistent with disease.

NM_014722.5(RIPOR2):c.2569+57G>C

Gene: RIPOR2 (RHO family interacting cell polarization regulator 2; minus strand). Cytogenetic location: 6p22.3.
Variant type: single nucleotide variant.
Coding change: c.2569+57G>C on transcript NM_014722.5; 57 bases into the intron after coding-DNA position 2569, G replaced by C.
Genome position (GRCh38, 1-based): chr6:24,830,452, C>G on the plus strand (G>C on the coding strand, the complement: RIPOR2 is on the minus strand). VCF-style: chr6-24830452-C-G. GRCh37 (hg19) VCF-style: chr6-24830680-C-G.
Other names: c.2506+57G>C (NM_001286445.3); c.2419+57G>C (NM_001346031.2, NM_001346032.2).
Identifiers: ClinVar variation 682984 (VCV000682984.2), dbSNP rs79868980, ClinGen allele CA16257150.
Genomic context (GRCh38, chr6:24,830,452, plus strand): 5'-TTTGTGTGTTTCCCATCTGCAGGCAAGTGGTAGGAGGACCCCTCTCCCCCGACCCCCACC[C>G]CAATGCCCACTCTCACACTGAAGGACAGAAATTCTCTCTCTACTGCTGCCTCATACCTGG-3'